The following is an entry in ClinVar:

NM_000018.4(ACADVL):c.1244C>T (p.Ala415Val)

Gene: ACADVL (acyl-CoA dehydrogenase very long chain; plus strand). Cytogenetic location: 17p13.1.
Variant type: single nucleotide variant.
Coding change: c.1244C>T on transcript NM_000018.4 (MANE Select); coding-DNA position 1244, C replaced by T.
Protein change: p.Ala415Val; replaces alanine 415 with valine.
Molecular consequence: missense variant.
Genome position (GRCh38, 1-based): chr17:7,223,705, C>T. VCF-style: chr17-7223705-C-T. GRCh37 (hg19) VCF-style: chr17-7127024-C-T.
Other names: c.1178C>T, p.Ala393Val (NM_001033859.3); c.1313C>T, p.Ala438Val (NM_001270447.2); c.1016C>T, p.Ala339Val (NM_001270448.2); short protein forms A438V, A339V, A393V, A415V.
Identifiers: ClinVar variation 2305488 (VCV002305488.4), dbSNP rs2508341456, ClinGen allele CA397724678.

ClinVar aggregate classification (germline): Conflicting classifications of pathogenicity. Review status: criteria provided, conflicting classifications (1 of 4 stars). 3 submissions from 3 submitters: Pathogenic (1); Likely pathogenic (1); Uncertain significance (1). Last evaluated 2025-09-04.

Conditions:
Very long chain acyl-CoA dehydrogenase deficiency (ACADVLD). Also called: Very Long-Chain Acyl-Coenzyme A Dehydrogenase Deficiency; VLCAD Deficiency. Identifiers: Orphanet 26793, MedGen C3887523, MONDO:0008723, OMIM 201475.
Inborn genetic diseases. Identifiers: MedGen C0950123, MeSH D030342.

Allele frequency attached by ClinVar (database versions not stated): gnomAD exomes below 0.00001.
gnomAD v4.1: 5 of 1,614,150 alleles (0.00031%); highest among the groups gnomAD compares: Non-Finnish European, 0.00034%; no homozygotes.

Submissions (3):

Myriad Genetics, Inc.
Classification: Uncertain significance for Very long chain acyl-CoA dehydrogenase deficiency. Last evaluated: 2025-09-04. Review status: criteria provided, single submitter. Criteria: Myriad Autosomal Dominant, Autosomal Recessive and X-Linked Classification Criteria (2023). Collection method: clinical testing. Allele origin: unknown.
Comment: NM_000018.3(ACADVL):c.1244C>T(A415V) is a missense variant classified as a variant of uncertain significance in the context of very-long-chain acyl-CoA dehydrogenase deficiency. A415V has been observed in cases with relevant disease (PMID: 28871440, 34564390). Relevant functional assessments of this variant are not available in the literature. A415V has not been observed in referenced population frequency databases. In summary, there is insufficient evidence to classify NM_000018.3(ACADVL):c.1244C>T(A415V) as pathogenic or benign. Please note: this variant was assessed in the context of healthy population screening.

Fulgent Genetics
Classification: Likely pathogenic for Very long chain acyl-CoA dehydrogenase deficiency. Last evaluated: 2024-06-23. Review status: criteria provided, single submitter. Criteria: ACMG Guidelines, 2015. Collection method: clinical testing. Allele origin: germline.

Ambry Genetics
Classification: Pathogenic for Inborn genetic diseases. Last evaluated: 2022-09-13. Review status: criteria provided, single submitter. Criteria: Ambry Variant Classification Scheme 2023. Collection method: clinical testing. Allele origin: germline.
Comment: The c.1244C>T (p.A415V) alteration is located in exon 12 (coding exon 12) of the ACADVL gene. This alteration results from a C to T substitution at nucleotide position 1244, causing the alanine (A) at amino acid position 415 to be replaced by a valine (V). This variant was not reported in population-based cohorts in the Genome Aggregation Database (gnomAD). This variant has been identified with a second ACADVL variant in multiple individuals diagnosed with very long chain acyl-CoA dehydrogenase deficiency (Gillingham, 2017; Hoegen, 2021; Elizondo, 2020). This amino acid position is highly conserved in available vertebrate species. This alteration is predicted to be deleterious by in silico analysis. Based on the available evidence, this alteration is classified as pathogenic.

Literature cited by the submitters: PubMed 28871440 (cited by Myriad Genetics, Inc. and Ambry Genetics); PubMed 34564390 (cited by Myriad Genetics, Inc. and Ambry Genetics); PubMed 32928639 (cited by Ambry Genetics).